The following is an entry in ClinVar:

NM_014319.5(LEMD3):c.1729A>G (p.Thr577Ala)

Gene: LEMD3 (LEM domain containing 3; plus strand). Cytogenetic location: 12q14.3.
Variant type: single nucleotide variant.
Coding change: c.1729A>G on transcript NM_014319.5 (MANE Select); coding-DNA position 1729, A replaced by G.
Protein change: p.Thr577Ala; replaces threonine 577 with alanine.
Molecular consequence: missense variant.
Genome position (GRCh38, 1-based): chr12:65,238,535, A>G. VCF-style: chr12-65238535-A-G. GRCh37 (hg19) VCF-style: chr12-65632315-A-G.
Other names: c.1726A>G, p.Thr576Ala (NM_001167614.2); short protein forms T577A, T576A.
Identifiers: ClinVar variation 2807594 (VCV002807594.3), dbSNP rs745760794, ClinGen allele CA385670940.

ClinVar aggregate classification (germline): Uncertain significance (1 of 4 stars; one submission).

Allele frequency attached by ClinVar (database versions not stated): TOPMed below 0.00001.
gnomAD v4.1: 1 of 1,609,264 alleles (0.000062%); highest among the groups gnomAD compares: Non-Finnish European, 0.000085%; no homozygotes.

Submission:

Labcorp Genetics (formerly Invitae), Labcorp
Classification: Uncertain significance. Last evaluated: 2023-07-26. Review status: criteria provided, single submitter. Criteria: Invitae Variant Classification Sherloc (09022015). Collection method: clinical testing. Allele origin: germline.
Comment: In summary, the available evidence is currently insufficient to determine the role of this variant in disease. Therefore, it has been classified as a Variant of Uncertain Significance. Advanced modeling of protein sequence and biophysical properties (such as structural, functional, and spatial information, amino acid conservation, physicochemical variation, residue mobility, and thermodynamic stability) performed at Invitae indicates that this missense variant is not expected to disrupt LEMD3 protein function. This variant has not been reported in the literature in individuals affected with LEMD3-related conditions. This variant is not present in population databases (gnomAD no frequency). This sequence change replaces threonine, which is neutral and polar, with alanine, which is neutral and non-polar, at codon 577 of the LEMD3 protein (p.Thr577Ala).